The following is an entry in ClinVar:

NM_004706.4(ARHGEF1):c.2337-9_2337-6del

Gene: ARHGEF1 (Rho guanine nucleotide exchange factor 1; plus strand). Cytogenetic location: 19q13.2.
Variant type: Deletion.
Coding change: c.2337-9_2337-6del on transcript NM_004706.4 (MANE Select); 9 bases into the intron before coding-DNA position 2337 through 6 bases into the intron before coding-DNA position 2337, 4 bases deleted (TCCC; older notation c.2337-9_2337-6delTCCC).
Molecular consequence: intron variant.
Genome position (GRCh38, 1-based): chr19:41,905,751-41,905,754, TCCC deleted; deleting any 4 consecutive bases within chr19:41,905,749-41,905,754 gives the same sequence; the c. name uses the placement nearest the transcript's 3' end. VCF-style (leftmost placement, unchanged base first): chr19-41905748-TCCTC-T. GRCh37 (hg19) VCF-style: chr19-42409900-TCCTC-T.
Other names: c.2337-9_2337-6del (NM_001396003.1, NM_001396006.1); c.2238-9_2238-6del (NM_001396002.1, NM_198977.2, NM_001396004.1); c.2505-9_2505-6del (NM_001396000.1); c.2382-9_2382-6del (NM_199002.2).
Identifiers: ClinVar variation 2061189 (VCV002061189.4), dbSNP rs2513924844, ClinGen allele CA2580097329.

ClinVar aggregate classification (germline): Uncertain significance (1 of 4 stars; one submission).

Submission:

Labcorp Genetics (formerly Invitae), Labcorp
Classification: Uncertain significance. Last evaluated: 2022-06-18. Review status: criteria provided, single submitter. Criteria: Invitae Variant Classification Sherloc (09022015). Collection method: clinical testing. Allele origin: germline.
Comment: In summary, the available evidence is currently insufficient to determine the role of this variant in disease. Therefore, it has been classified as a Variant of Uncertain Significance. Algorithms developed to predict the effect of sequence changes on RNA splicing suggest that this variant may disrupt the consensus splice site. This variant has not been reported in the literature in individuals affected with ARHGEF1-related conditions. This variant is not present in population databases (gnomAD no frequency). This sequence change falls in intron 24 of the ARHGEF1 gene. It does not directly change the encoded amino acid sequence of the ARHGEF1 protein.